The following is an entry in ClinVar:

ClinVar aggregate classification (germline): Uncertain significance. Review status: criteria provided, multiple submitters, no conflicts (2 of 4 stars). 2 submissions from 2 submitters: Uncertain significance (2). Last evaluated 2025-04-30.

Conditions:
Autosomal recessive limb-girdle muscular dystrophy type 2P. Also called: MUSCULAR DYSTROPHY-DYSTROGLYCANOPATHY, LIMB-GIRDLE, DAG1-RELATED; Limb-Girdle Muscular Dystrophy Type 9C; MUSCULAR DYSTROPHY, LIMB-GIRDLE, TYPE 2P. Identifiers: Orphanet 280333, MedGen C4511963, MONDO:0013440, OMIM 613818.
Muscular dystrophy-dystroglycanopathy (congenital with brain and eye anomalies), type A9. Also called: WALKER-WARBURG SYNDROME OR MUSCLE-EYE BRAIN DISEASE, DAG1-RELATED; Muscular dystrophy-dystroglycanopathy (congenital with brain and eye anomalies), type a, 9. Identifiers: Orphanet 370997, Orphanet 899, MedGen C4225291, MONDO:0014683, OMIM 616538.
Inborn genetic diseases. Identifiers: MedGen C0950123, MeSH D030342.

Allele frequency attached by ClinVar (database versions not stated): gnomAD exomes below 0.00001 and 0.00001; gnomAD 0.00001.
gnomAD v4.1: 13 of 1,613,960 alleles (0.00081%); highest among the groups gnomAD compares: Middle Eastern, 0.016%; no homozygotes.

Submissions (2):

Ambry Genetics
Classification: Uncertain significance for Inborn genetic diseases. Last evaluated: 2025-04-30. Review status: criteria provided, single submitter. Criteria: Ambry Variant Classification Scheme 2023. Collection method: clinical testing. Allele origin: germline.

Labcorp Genetics (formerly Invitae), Labcorp
Classification: Uncertain significance for Autosomal recessive limb-girdle muscular dystrophy type 2P; Muscular dystrophy-dystroglycanopathy (congenital with brain and eye anomalies), type A9. Last evaluated: 2024-10-22. Review status: criteria provided, single submitter. Criteria: Invitae Variant Classification Sherloc (09022015). Collection method: clinical testing. Allele origin: germline.
Comment: This sequence change replaces proline, which is neutral and non-polar, with leucine, which is neutral and non-polar, at codon 756 of the DAG1 protein (p.Pro756Leu). This variant is present in population databases (no rsID available, gnomAD 0.002%). This variant has not been reported in the literature in individuals affected with DAG1-related conditions. ClinVar contains an entry for this variant (Variation ID: 1416426). Invitae Evidence Modeling of protein sequence and biophysical properties (such as structural, functional, and spatial information, amino acid conservation, physicochemical variation, residue mobility, and thermodynamic stability) has been performed for this missense variant. However, the output from this modeling did not meet the statistical confidence thresholds required to predict the impact of this variant on DAG1 protein function. In summary, the available evidence is currently insufficient to determine the role of this variant in disease. Therefore, it has been classified as a Variant of Uncertain Significance.

NM_004393.6(DAG1):c.2267C>T (p.Pro756Leu)

Gene: DAG1 (dystroglycan 1; plus strand). Cytogenetic location: 3p21.31.
Variant type: single nucleotide variant.
Coding change: c.2267C>T on transcript NM_004393.6 (MANE Select); coding-DNA position 2267, C replaced by T.
Protein change: p.Pro756Leu; replaces proline 756 with leucine.
Molecular consequence: missense variant.
Genome position (GRCh38, 1-based): chr3:49,532,778, C>T. VCF-style: chr3-49532778-C-T. GRCh37 (hg19) VCF-style: chr3-49570211-C-T.
Other names: c.2267C>T, p.Pro756Leu (NM_001165928.4, NM_001177634.3, NM_001177635.3 and 9 more transcripts); c.2267C>T (NM_004393.4); short protein forms P756L.
Identifiers: ClinVar variation 1416426 (VCV001416426.9), dbSNP rs1277865091, ClinGen allele CA352797263.